The following is an entry in ClinVar:

NM_006015.6(ARID1A):c.4078A>G (p.Thr1360Ala)

Gene: ARID1A (AT-rich interaction domain 1A; plus strand). Cytogenetic location: 1p36.11.
Variant type: single nucleotide variant.
Coding change: c.4078A>G on transcript NM_006015.6 (MANE Select); coding-DNA position 4078, A replaced by G.
Protein change: p.Thr1360Ala; replaces threonine 1360 with alanine.
Molecular consequence: missense variant.
Genome position (GRCh38, 1-based): chr1:26,773,875, A>G. VCF-style: chr1-26773875-A-G. GRCh37 (hg19) VCF-style: chr1-27100366-A-G.
Other names: c.4078A>G, p.Thr1360Ala (NM_139135.4); short protein forms T1360A.
Identifiers: ClinVar variation 1677232 (VCV001677232.1), dbSNP rs375202405, ClinGen allele CA707399.

ClinVar aggregate classification (germline): Uncertain significance (1 of 4 stars; one submission).

Allele frequency attached by ClinVar (database versions not stated): gnomAD exomes below 0.00001; ExAC 0.00002; TOPMed 0.00002; ESP Exome Variant Server 0.00008.
gnomAD v4.1: 2 of 1,614,122 alleles (0.00012%); highest among the groups gnomAD compares: African/African-American, 0.0013%; no homozygotes.

Submission:

Women's Health and Genetics/Laboratory Corporation of America, LabCorp
Classification: Uncertain significance. Last evaluated: 2022-03-31. Review status: criteria provided, single submitter. Criteria: LabCorp Variant Classification Summary - May 2015. Collection method: clinical testing. Allele origin: germline.
Comment: Variant summary: ARID1A c.4078A>G (p.Thr1360Ala) results in a non-conservative amino acid change in the encoded protein sequence. Three of five in-silico tools predict a benign effect of the variant on protein function. The variant allele was found at a frequency of 4e-06 in 251478 control chromosomes. The available data on variant occurrences in the general population are insufficient to allow any conclusion about variant significance. To our knowledge, no occurrence of c.4078A>G in individuals affected with Mental Retardation, Autosomal Dominant 14 and no experimental evidence demonstrating its impact on protein function have been reported. No clinical diagnostic laboratories have submitted clinical-significance assessments for this variant to ClinVar after 2014. Based on the evidence outlined above, the variant was classified as uncertain significance.